The following is an entry in ClinVar:

ClinVar aggregate classification (germline): Uncertain significance. Review status: criteria provided, multiple submitters, no conflicts (2 of 4 stars). 2 submissions from 2 submitters: Uncertain significance (2). Last evaluated 2025-04-08.

Conditions:
DICER1-related tumor predisposition. Also called: DICER1-related pleuropulmonary blastoma cancer predisposition syndrome; DICER1 syndrome. Identifiers: Orphanet 284343, MedGen C3839822, MONDO:0100216.
Hereditary cancer-predisposing syndrome. Also called: Hereditary neoplastic syndrome; Neoplastic Syndromes, Hereditary; Tumor predisposition; Hereditary Cancer Syndrome. Identifiers: Orphanet 140162, MedGen C0027672, MeSH D009386, MONDO:0015356.

Allele frequency attached by ClinVar (database versions not stated): gnomAD exomes 0.00001.
gnomAD v4.1: 2 of 1,612,368 alleles (0.00012%); highest among the groups gnomAD compares: Non-Finnish European, 0.00017%; no homozygotes.

Submissions (2):

Labcorp Genetics (formerly Invitae), Labcorp
Classification: Uncertain significance for DICER1-related tumor predisposition. Last evaluated: 2025-04-08. Review status: criteria provided, single submitter. Criteria: Invitae Variant Classification Sherloc (09022015). Collection method: clinical testing. Allele origin: germline.
Comment: This sequence change replaces serine, which is neutral and polar, with asparagine, which is neutral and polar, at codon 1426 of the DICER1 protein (p.Ser1426Asn). This variant is present in population databases (no rsID available, gnomAD 0.0009%). This variant has not been reported in the literature in individuals affected with DICER1-related conditions. ClinVar contains an entry for this variant (Variation ID: 412164). Invitae Evidence Modeling of protein sequence and biophysical properties (such as structural, functional, and spatial information, amino acid conservation, physicochemical variation, residue mobility, and thermodynamic stability) indicates that this missense variant is not expected to disrupt DICER1 protein function with a negative predictive value of 95%. In summary, the available evidence is currently insufficient to determine the role of this variant in disease. Therefore, it has been classified as a Variant of Uncertain Significance.

Ambry Genetics
Classification: Uncertain significance for Hereditary cancer-predisposing syndrome. Last evaluated: 2024-08-07. Review status: criteria provided, single submitter. Criteria: Ambry Variant Classification Scheme 2023. Collection method: clinical testing. Allele origin: germline.
Comment: The p.S1426N variant (also known as c.4277G>A), located in coding exon 22 of the DICER1 gene, results from a G to A substitution at nucleotide position 4277. The serine at codon 1426 is replaced by asparagine, an amino acid with highly similar properties. This amino acid position is conserved. In addition, this alteration is predicted to be tolerated by in silico analysis. Based on the available evidence, the clinical significance of this variant remains unclear.

NM_177438.3(DICER1):c.4277G>A (p.Ser1426Asn)

Gene: DICER1 (dicer 1, ribonuclease III; minus strand). Cytogenetic location: 14q32.13.
Variant type: single nucleotide variant.
Coding change: c.4277G>A on transcript NM_177438.3 (MANE Select); coding-DNA position 4277, G replaced by A.
Protein change: p.Ser1426Asn; replaces serine 1426 with asparagine.
Molecular consequence: missense variant.
Genome position (GRCh38, 1-based): chr14:95,096,643, C>T on the plus strand (G>A on the coding strand, the complement: DICER1 is on the minus strand). VCF-style: chr14-95096643-C-T. GRCh37 (hg19) VCF-style: chr14-95562980-C-T.
Other names: c.4277G>A, p.Ser1426Asn (NM_001195573.1, NM_001271282.3, NM_001291628.2 and 1 more transcripts); short protein forms S1426N.
Identifiers: ClinVar variation 412164 (VCV000412164.14), dbSNP rs1060503648, ClinGen allele CA16614309.